The following is an entry in ClinVar:

NM_031418.4(ANO3):c.1256A>G (p.Tyr419Cys)

Gene: ANO3 (anoctamin 3; plus strand). Cytogenetic location: 11p14.2.
Variant type: single nucleotide variant.
Coding change: c.1256A>G on transcript NM_031418.4 (MANE Select); coding-DNA position 1256, A replaced by G.
Protein change: p.Tyr419Cys; replaces tyrosine 419 with cysteine.
Molecular consequence: missense variant.
Genome position (GRCh38, 1-based): chr11:26,547,517, A>G. VCF-style: chr11-26547517-A-G. GRCh37 (hg19) VCF-style: chr11-26569064-A-G.
Other names: c.1439A>G, p.Tyr480Cys (NM_001313726.2); c.818A>G, p.Tyr273Cys (NM_001313727.2); c.1256A>G (NM_031418.2); short protein forms Y273C, Y480C, Y419C.
Identifiers: ClinVar variation 1946466 (VCV001946466.4), dbSNP rs372690488, ClinGen allele CA5925827.

ClinVar aggregate classification (germline): Uncertain significance. Review status: criteria provided, multiple submitters, no conflicts (2 of 4 stars). 2 submissions from 2 submitters: Uncertain significance (2). Last evaluated 2023-11-27.

Conditions:
Inborn genetic diseases. Identifiers: MedGen C0950123, MeSH D030342.
Dystonic disorder. Also called: Dystonia. Identifiers: MedGen C0013421, MONDO:0003441, HP:0001332.

Allele frequency attached by ClinVar (database versions not stated): gnomAD 0.00001; gnomAD exomes 0.00001; ExAC 0.00002; ESP Exome Variant Server 0.00008.
gnomAD v4.1: 20 of 1,611,800 alleles (0.0012%); highest among the groups gnomAD compares: Admixed American, 0.018%; no homozygotes.

Submissions (2):

Ambry Genetics
Classification: Uncertain significance for Inborn genetic diseases. Last evaluated: 2023-11-27. Review status: criteria provided, single submitter. Criteria: Ambry Variant Classification Scheme 2023. Collection method: clinical testing. Allele origin: germline.

Labcorp Genetics (formerly Invitae), Labcorp
Classification: Uncertain significance for Dystonic disorder. Last evaluated: 2022-05-17. Review status: criteria provided, single submitter. Criteria: Invitae Variant Classification Sherloc (09022015). Collection method: clinical testing. Allele origin: germline.
Comment: This sequence change replaces tyrosine, which is neutral and polar, with cysteine, which is neutral and slightly polar, at codon 419 of the ANO3 protein (p.Tyr419Cys). This variant is present in population databases (rs372690488, gnomAD 0.02%). This variant has not been reported in the literature in individuals affected with ANO3-related conditions. Advanced modeling of protein sequence and biophysical properties (such as structural, functional, and spatial information, amino acid conservation, physicochemical variation, residue mobility, and thermodynamic stability) performed at Invitae indicates that this missense variant is expected to disrupt ANO3 protein function. In summary, the available evidence is currently insufficient to determine the role of this variant in disease. Therefore, it has been classified as a Variant of Uncertain Significance.